The following is an entry in ClinVar:

NM_000064.4(C3):c.3958C>A (p.Arg1320=)

Gene: C3 (complement C3; minus strand). Cytogenetic location: 19p13.3.
Variant type: single nucleotide variant.
Coding change: c.3958C>A on transcript NM_000064.4 (MANE Select); coding-DNA position 3958, C replaced by A.
Protein change: p.Arg1320=; no amino-acid change (arginine 1320 retained).
Molecular consequence: synonymous variant.
Genome position (GRCh38, 1-based): chr19:6,684,999, G>T on the plus strand (C>A on the coding strand, the complement: C3 is on the minus strand). VCF-style: chr19-6684999-G-T. GRCh37 (hg19) VCF-style: chr19-6685010-G-T.
Other names: p.Arg1320=.
Identifiers: ClinVar variation 724798 (VCV000724798.26), dbSNP rs141718696, ClinGen allele CA9128588.
Genomic context (GRCh38, chr19:6,684,999, plus strand): 5'-TGTAGGGGGAGACAGCCAGAGTGAGGAGGGCTTGGCTGGGTGACTGTACCTCTTCTGATC[G>T]CAGGAGGCTGGCAGATTCCCAGTGGATACGGTGGGTGATCTTGGAGCTGCGGCTGGGCAG-3'
Protein context (NP_000055.2, residues 1310-1330): RIHWESASLL[Arg1320=]SEETKENEGF

ClinVar aggregate classification (germline): Benign/Likely benign. Review status: criteria provided, multiple submitters, no conflicts (2 of 4 stars). 8 submissions from 8 submitters: Benign (2); Likely benign (5). 1 of the submissions does not count toward it. Last evaluated 2026-08-01.

Conditions:
Complement component 3 deficiency. Identifiers: Orphanet 280133, MedGen C3151071, MONDO:0013417, OMIM 613779.
Age related macular degeneration 9. Identifiers: MedGen C1969651, MONDO:0012659, OMIM 611378.
Atypical hemolytic-uremic syndrome with C3 anomaly. Also called: AHUS, SUSCEPTIBILITY TO, 5. Identifiers: Orphanet 2134, MedGen C2752037, MONDO:0013043, OMIM 612925.
C3-related disorder. Also called: C3-related condition.

Allele frequency attached by ClinVar (database versions not stated): ESP Exome Variant Server 0.00338; gnomAD 0.00356 and 0.00386; 1000 Genomes Project 30x 0.00359; 1000 Genomes Project 0.00379; TOPMed 0.00424.
gnomAD v4.1: 1,041 of 1,613,678 alleles (0.065%); highest among the groups gnomAD compares: African/African-American, 1.2%; 3 homozygotes.

Submissions (8):

CeGaT Center for Human Genetics Tuebingen
Classification: Likely benign. Last evaluated: 2026-08-01. Review status: criteria provided, single submitter. Criteria: CeGaT Center For Human Genetics Tuebingen Variant Classification Criteria Version 2. Collection method: clinical testing. Allele origin: germline. Affected: yes. Observed: 2 variant alleles.
Comment: C3: BP4, BS1

Labcorp Genetics (formerly Invitae), Labcorp
Classification: Benign. Last evaluated: 2026-01-24. Review status: criteria provided, single submitter. Criteria: Invitae Variant Classification Sherloc (09022015). Collection method: clinical testing. Allele origin: germline.

Women's Health and Genetics/Laboratory Corporation of America, LabCorp
Classification: Likely benign. Last evaluated: 2026-01-22. Review status: criteria provided, single submitter. Criteria: LabCorp Variant Classification Summary - May 2015. Collection method: clinical testing. Allele origin: germline.

Mayo Clinic Laboratories, Mayo Clinic
Classification: Likely benign. Last evaluated: 2025-11-19. Review status: criteria provided, single submitter. Criteria: ACMG Guidelines, 2015. Collection method: clinical testing. Allele origin: germline. Observed: 19 variant alleles.
Comment: BS1, BP4, BP7

Blueprint Genetics
Classification: Likely benign. Last evaluated: 2024-08-06. Review status: criteria provided, single submitter. Criteria: ACMG Guidelines, 2015. Collection method: clinical testing. Allele origin: germline.

Fulgent Genetics
Classification: Likely benign for Age related macular degeneration 9; Atypical hemolytic-uremic syndrome with C3 anomaly; Complement component 3 deficiency. Last evaluated: 2021-09-29. Review status: criteria provided, single submitter. Criteria: ACMG Guidelines, 2015. Collection method: clinical testing. Allele origin: unknown.

Breakthrough Genomics
Classification: Benign. Review status: criteria provided, single submitter. Criteria: ACMG Guidelines, 2015. Collection method: not provided. Allele origin: germline. Inheritance: Autosomal recessive inheritance. Affected: yes.

PreventionGenetics, part of Exact Sciences
Classification: Likely benign for C3-related condition. Last evaluated: 2020-02-07. Review status: no assertion criteria provided. Collection method: clinical testing. Allele origin: germline. Not counted in ClinVar's aggregate classification.
Comment: This variant is classified as likely benign based on ACMG/AMP sequence variant interpretation guidelines (Richards et al. 2015 PMID: 25741868, with internal and published modifications).